The following is an entry in ClinVar:

ClinVar aggregate classification (germline): Likely benign. Review status: criteria provided, multiple submitters, no conflicts (2 of 4 stars). 3 submissions from 3 submitters: Likely benign (3). Last evaluated 2024-10-26.

Conditions:
Catecholaminergic polymorphic ventricular tachycardia 1. Also called: VENTRICULAR TACHYCARDIA, STRESS-INDUCED POLYMORPHIC 1; VENTRICULAR TACHYCARDIA, CATECHOLAMINERGIC POLYMORPHIC, 1, WITH OR WITHOUT ATRIAL DYSFUNCTION AND/OR DILATED CARDIOMYOPATHY; RYR2-Related Catecholaminergic Polymorphic Ventricular Tachycardia. Identifiers: Orphanet 3286, MedGen C1631597, MONDO:0011484, OMIM 604772.
Catecholaminergic polymorphic ventricular tachycardia (CVPT). Also called: Catecholamine-induced polymorphic ventricular tachycardia. Identifiers: Orphanet 3286, MedGen C5574922, MONDO:0017990.
Cardiomyopathy (CMYO). Also called: Cardiomyopathies. Identifiers: Orphanet 167848, MedGen C0878544, MONDO:0004994, HP:0001638. Inheritance: Various modes of inheritance.

Allele frequency attached by ClinVar (database versions not stated): gnomAD exomes below 0.00001; TOPMed below 0.00001; gnomAD 0.00001.
gnomAD v4.1: 5 of 1,594,572 alleles (0.00031%); highest among the groups gnomAD compares: Non-Finnish European, 0.00043%; no homozygotes.

Submissions (3):

Labcorp Genetics (formerly Invitae), Labcorp
Classification: Likely benign for Catecholaminergic polymorphic ventricular tachycardia 1. Last evaluated: 2024-10-26. Review status: criteria provided, single submitter. Criteria: Invitae Variant Classification Sherloc (09022015). Collection method: clinical testing. Allele origin: germline.

All of Us Research Program, National Institutes of Health
Classification: Likely benign for Catecholaminergic polymorphic ventricular tachycardia. Last evaluated: 2023-02-24. Review status: criteria provided, single submitter. Criteria: ACMG Guidelines, 2015. Collection method: clinical testing. Allele origin: germline. Inheritance: Autosomal dominant inheritance. Observed: 1 variant allele, 1 heterozygote.
Comment: This study involves interpretation of variants in research participants for the purpose of population health screening. Participant phenotype was not available at the time of variant classification. Additional details can be found in publication PMID: 35346344, PMCID: PMC8962531

Color Diagnostics, LLC DBA Color Health
Classification: Likely benign for Cardiomyopathy. Last evaluated: 2023-01-05. Review status: criteria provided, single submitter. Criteria: ACMG Guidelines, 2015. Collection method: clinical testing. Allele origin: germline.

NM_001035.3(RYR2):c.13783-9C>T

Gene: RYR2 (ryanodine receptor 2; plus strand). Cytogenetic location: 1q43.
Variant type: single nucleotide variant.
Coding change: c.13783-9C>T on transcript NM_001035.3 (MANE Select); 9 bases into the intron before coding-DNA position 13783, C replaced by T.
Molecular consequence: intron variant.
Genome position (GRCh38, 1-based): chr1:237,793,858, C>T. VCF-style: chr1-237793858-C-T. GRCh37 (hg19) VCF-style: chr1-237957158-C-T.
Identifiers: ClinVar variation 2196927 (VCV002196927.5), dbSNP rs1414090080, ClinGen allele CA529564834.
Genomic context (GRCh38, chr1:237,793,858, plus strand): 5'-AAAGATAGTGACCACAAGATATGCCAGTAAATCTAAACTAATTTTAACGTATTTATTTTT[C>T]CTATGTAGGTCCCATTGGTTATTTTTAAGCGAGAAAAGGAAGTGGCACGGAAATTGGAAT-3'